The following is an entry in ClinVar:

NM_021008.4(DEAF1):c.289+3A>C

Gene: DEAF1 (DEAF1 transcription factor; minus strand). Cytogenetic location: 11p15.5.
Variant type: single nucleotide variant.
Coding change: c.289+3A>C on transcript NM_021008.4 (MANE Select); 3 bases into the intron after coding-DNA position 289, A replaced by C.
Molecular consequence: intron variant. On other transcripts: 5 prime UTR variant (2).
Genome position (GRCh38, 1-based): chr11:694,756, T>G on the plus strand (A>C on the coding strand, the complement: DEAF1 is on the minus strand). VCF-style: chr11-694756-T-G. GRCh37 (hg19) VCF-style: chr11-694756-T-G.
Other names: c.-1705A>C (NM_001440886.1); c.-515A>C (NM_001440887.1); c.-437-3158A>C (NM_001367390.1); c.-308+3A>C (NM_001440885.1); c.289+3A>C (NM_001293634.2, NM_001440884.1, NM_001440883.1).
Identifiers: ClinVar variation 1311962 (VCV001311962.6), dbSNP rs1861032104, ClinGen allele CA934302141.

ClinVar aggregate classification (germline): Uncertain significance. Review status: criteria provided, multiple submitters, no conflicts (2 of 4 stars). 2 submissions from 2 submitters: Uncertain significance (2). Last evaluated 2025-11-24.

Allele frequency attached by ClinVar (database versions not stated): gnomAD 0.00001.
gnomAD v4.1: 1 of 1,295,916 alleles (0.000077%); highest among the groups gnomAD compares: African/African-American, 0.0016%; no homozygotes.

Submissions (2):

Labcorp Genetics (formerly Invitae), Labcorp
Classification: Uncertain significance. Last evaluated: 2025-11-24. Review status: criteria provided, single submitter. Criteria: Invitae Variant Classification Sherloc (09022015). Collection method: clinical testing. Allele origin: germline.
Comment: This sequence change falls in intron 1 of the DEAF1 gene. It does not directly change the encoded amino acid sequence of the DEAF1 protein. It affects a nucleotide within the consensus splice site. This variant is not present in population databases (gnomAD no frequency). This variant has not been reported in the literature in individuals affected with DEAF1-related conditions. ClinVar contains an entry for this variant (Variation ID: 1311962). Variants that disrupt the consensus splice site are a relatively common cause of aberrant splicing (PMID: 17576681, 9536098). Algorithms developed to predict the effect of sequence changes on RNA splicing suggest that this variant may disrupt the consensus splice site. In summary, the available evidence is currently insufficient to determine the role of this variant in disease. Therefore, it has been classified as a Variant of Uncertain Significance.

GeneDx
Classification: Uncertain significance. Last evaluated: 2019-09-12. Review status: criteria provided, single submitter. Criteria: GeneDx Variant Classification Process June 2021. Collection method: clinical testing. Allele origin: germline. Affected: yes.
Comment: Not observed in large population cohorts (Lek et al., 2016); In-silico analysis, which includes splice predictors and evolutionary conservation, is inconclusive as to whether the variant alters gene splicing. In the absence of RNA/functional studies, the actual effect of this sequence change is unknown.; Has not been previously published as pathogenic or benign to our knowledge

Literature cited by the submitters: PubMed 17576681 (cited by Labcorp Genetics (formerly Invitae), Labcorp); PubMed 9536098 (cited by Labcorp Genetics (formerly Invitae), Labcorp).